The following is an entry in ClinVar:

ClinVar aggregate classification (germline): Likely pathogenic (1 of 4 stars; one submission).

Conditions:
Neuronal ceroid lipofuscinosis. Also called: Neuronal Ceroid Lipofuscinoses. Identifiers: Orphanet 216, Orphanet 79263, MedGen C0027877, MONDO:0016295. Disease mechanism: loss of function.

Submission:

Labcorp Genetics (formerly Invitae), Labcorp
Classification: Likely pathogenic for Neuronal ceroid lipofuscinosis. Last evaluated: 2022-03-01. Review status: criteria provided, single submitter. Criteria: Invitae Variant Classification Sherloc (09022015). Collection method: clinical testing. Allele origin: germline.
Comment: This sequence change affects an acceptor splice site in intron 14 of the CLN3 gene. It is expected to disrupt RNA splicing. Variants that disrupt the donor or acceptor splice site typically lead to a loss of protein function (PMID: 16199547), and loss-of-function variants in CLN3 are known to be pathogenic (PMID: 9311735, 28542676). This variant is not present in population databases (gnomAD no frequency). This variant has not been reported in the literature in individuals affected with CLN3-related conditions. Algorithms developed to predict the effect of sequence changes on RNA splicing suggest that this variant may disrupt the consensus splice site. In summary, the currently available evidence indicates that the variant is pathogenic, but additional data are needed to prove that conclusively. Therefore, this variant has been classified as Likely Pathogenic.

Literature cited by the submitters: PubMed 16199547; PubMed 9311735; PubMed 28542676.

NM_001042432.2(CLN3):c.1057-1G>A

Gene: CLN3 (CLN3 lysosomal/endosomal transmembrane protein, battenin; minus strand). Cytogenetic location: 16p12.1.
Variant type: single nucleotide variant.
Coding change: c.1057-1G>A on transcript NM_001042432.2 (MANE Select); the canonical splice acceptor site of the intron before coding-DNA position 1057, G replaced by A.
Molecular consequence: splice acceptor variant.
Genome position (GRCh38, 1-based): chr16:28,477,878, C>T on the plus strand (G>A on the coding strand, the complement: CLN3 is on the minus strand). VCF-style: chr16-28477878-C-T. GRCh37 (hg19) VCF-style: chr16-28489199-C-T.
Other names: c.823-1G>A (NM_001286109.2); c.985-1G>A (NM_001286104.2); c.757-1G>A (NM_001286105.2); c.895-1G>A (NM_001286110.2); c.1057-1G>A (NM_000086.2).
Identifiers: ClinVar variation 1932813 (VCV001932813.5), dbSNP rs2506419122, ClinGen allele CA395343195.
Genomic context (GRCh38, chr16:28,477,878, plus strand): 5'-GTAGATGCTTGGCAGAAAGCCGAACCACACGTCTGCCAGCAGGAACACCAGGTTGAGGCA[C>T]TGTGAACAGGGGGAGAGGCTAAGCCTGGGACCAGGGCGGGGCAGGGAAGGAGAGGTGGCC-3'